The following is an entry in ClinVar:

NM_002936.6(RNASEH1):c.156G>A (p.Arg52=)

Gene: RNASEH1 (ribonuclease H1; minus strand). Cytogenetic location: 2p25.3.
Variant type: single nucleotide variant.
Coding change: c.156G>A on transcript NM_002936.6 (MANE Select); coding-DNA position 156, G replaced by A.
Protein change: p.Arg52=; no amino-acid change (arginine 52 retained).
Molecular consequence: synonymous variant. On other transcripts: 5 prime UTR variant (1), non-coding transcript variant (6).
Genome position (GRCh38, 1-based): chr2:3,556,877, C>T on the plus strand (G>A on the coding strand, the complement: RNASEH1 is on the minus strand). VCF-style: chr2-3556877-C-T. GRCh37 (hg19) VCF-style: chr2-3604467-C-T.
Other names: c.78G>A, p.Arg26= (NM_001286834.3); c.-196G>A (NM_001286837.3); c.156G>A, p.Arg52= (NM_001378271.1, NM_001378272.1, NM_001378273.1).
Identifiers: ClinVar variation 1707116 (VCV001707116.8), dbSNP rs148031856, ClinGen allele CA1516394.

ClinVar aggregate classification (germline): Benign/Likely benign. Review status: criteria provided, multiple submitters, no conflicts (2 of 4 stars). 3 submissions from 3 submitters: Benign (1); Likely benign (2). Last evaluated 2025-11-18.

Allele frequency attached by ClinVar (database versions not stated): TOPMed 0.00014; ESP Exome Variant Server 0.00015; gnomAD 0.00015; 1000 Genomes Project 30x 0.00016; 1000 Genomes Project 0.00020; ExAC 0.00025.
gnomAD v4.1: 247 of 1,614,060 alleles (0.015%); highest among the groups gnomAD compares: Non-Finnish European, 0.01%; 1 homozygote.

Submissions (3):

Labcorp Genetics (formerly Invitae), Labcorp
Classification: Benign. Last evaluated: 2025-11-18. Review status: criteria provided, single submitter. Criteria: Invitae Variant Classification Sherloc (09022015). Collection method: clinical testing. Allele origin: germline.

Blueprint Genetics
Classification: Likely benign. Last evaluated: 2024-11-21. Review status: criteria provided, single submitter. Criteria: ACMG Guidelines, 2015. Collection method: clinical testing. Allele origin: germline.

GeneDx
Classification: Likely benign. Last evaluated: 2020-01-29. Review status: criteria provided, single submitter. Criteria: GeneDx Variant Classification Process June 2021. Collection method: clinical testing. Allele origin: germline. Affected: yes.
Comment: See Variant Classification Assertion Criteria.